The following is an entry in ClinVar:

NM_172240.3(POC1B):c.438G>C (p.Trp146Cys)

Genes: POC1B (POC1 centriolar protein B; minus strand), POC1B-DUSP6 (POC1B-DUSP6 readthrough; minus strand). Cytogenetic location: 12q21.33.
Variant type: single nucleotide variant.
Coding change: c.438G>C on transcript NM_172240.3 (MANE Select); coding-DNA position 438, G replaced by C.
Protein change: p.Trp146Cys; replaces tryptophan 146 with cysteine.
Molecular consequence: missense variant. On other transcripts: non-coding transcript variant (2).
Genome position (GRCh38, 1-based): chr12:89,491,950, C>G on the plus strand (G>C on the coding strand, the complement: POC1B is on the minus strand). VCF-style: chr12-89491950-C-G. GRCh37 (hg19) VCF-style: chr12-89885727-C-G.
Other names: c.312G>C, p.Trp104Cys (NM_001199777.2); short protein forms W104C, W146C.
Identifiers: ClinVar variation 1059225 (VCV001059225.9), dbSNP rs2135737998, ClinGen allele CA385991581.

ClinVar aggregate classification (germline): Uncertain significance (1 of 4 stars; one submission).

Submission:

Labcorp Genetics (formerly Invitae), Labcorp
Classification: Uncertain significance. Last evaluated: 2020-05-06. Review status: criteria provided, single submitter. Criteria: Invitae Variant Classification Sherloc (09022015). Collection method: clinical testing. Allele origin: germline.
Comment: In summary, the available evidence is currently insufficient to determine the role of this variant in disease. Therefore, it has been classified as a Variant of Uncertain Significance. Algorithms developed to predict the effect of missense changes on protein structure and function (SIFT, PolyPhen-2, Align-GVGD) all suggest that this variant is likely to be disruptive, but these predictions have not been confirmed by published functional studies and their clinical significance is uncertain. This variant has not been reported in the literature in individuals with POC1B-related conditions. This variant is not present in population databases (ExAC no frequency). This sequence change replaces tryptophan with cysteine at codon 146 of the POC1B protein (p.Trp146Cys). The tryptophan residue is highly conserved and there is a large physicochemical difference between tryptophan and cysteine.